The following is an entry in ClinVar:

ClinVar aggregate classification (germline): Pathogenic (1 of 4 stars; one submission).

Submission:

Labcorp Genetics (formerly Invitae), Labcorp
Classification: Pathogenic. Last evaluated: 2023-12-19. Review status: criteria provided, single submitter. Criteria: Invitae Variant Classification Sherloc (09022015). Collection method: clinical testing. Allele origin: germline.
Comment: This sequence change creates a premature translational stop signal (p.Lys1337Glnfs*33) in the MYO5B gene. It is expected to result in an absent or disrupted protein product. Loss-of-function variants in MYO5B are known to be pathogenic (PMID: 18724368, 20186687). This variant is present in population databases (no rsID available, gnomAD 0.0009%). This variant has not been reported in the literature in individuals affected with MYO5B-related conditions. For these reasons, this variant has been classified as Pathogenic.

Literature cited by the submitters: PubMed 18724368; PubMed 20186687.

NM_001080467.3(MYO5B):c.4008_4009insCA (p.Lys1337fs)

Gene: MYO5B (myosin VB; minus strand). Cytogenetic location: 18q21.1.
Variant type: Insertion.
Coding change: c.4008_4009insCA on transcript NM_001080467.3 (MANE Select); coding-DNA positions 4008 to 4009, CA inserted.
Protein change: p.Lys1337fs; shifts the reading frame from lysine 1337.
Molecular consequence: frameshift variant.
Genome position: GRCh38 VCF-style: chr18-49856826-T-TTG. GRCh37 (hg19) VCF-style: chr18-47383196-T-TTG.
Other names: short protein forms K1337fs.
Identifiers: ClinVar variation 2960061 (VCV002960061.3), dbSNP rs1458560992, ClinGen allele CA629560538.